The following is an entry in ClinVar:

NM_001204.7(BMPR2):c.1667T>C (p.Ile556Thr)

Gene: BMPR2 (bone morphogenetic protein receptor type 2; plus strand). Cytogenetic location: 2q33.2.
Variant type: single nucleotide variant.
Coding change: c.1667T>C on transcript NM_001204.7 (MANE Select); coding-DNA position 1667, T replaced by C.
Protein change: p.Ile556Thr; replaces isoleucine 556 with threonine.
Molecular consequence: missense variant.
Genome position (GRCh38, 1-based): chr2:202,555,332, T>C. VCF-style: chr2-202555332-T-C. GRCh37 (hg19) VCF-style: chr2-203420055-T-C.
Other names: short protein forms I556T.
Identifiers: ClinVar variation 4214533 (VCV004214533.1).
Genomic context (GRCh38, chr2:202,555,332, plus strand): 5'-GTGTGCCAAAAATTGGTCCTTATCCAGATTATTCTTCCTCCTCATACATTGAAGACTCTA[T>C]CCATCATACTGACAGCATCGTGAAGAATATTTCCTCTGAGCATTCTATGTCCAGCACACC-3'
Protein context (NP_001195.2, residues 546-566): YSSSSYIEDS[Ile556Thr]HHTDSIVKNI

ClinVar aggregate classification (germline): Uncertain significance (1 of 4 stars; one submission).

Conditions:
Inborn genetic diseases. Identifiers: MedGen C0950123, MeSH D030342.

gnomAD v4.1: 2 of 1,614,136 alleles (0.00012%); highest among the groups gnomAD compares: Non-Finnish European, 0.00017%; no homozygotes.

Submission:

Ambry Genetics
Classification: Uncertain significance for Inborn genetic diseases. Last evaluated: 2025-08-25. Review status: criteria provided, single submitter. Criteria: Ambry Variant Classification Scheme 2023. Collection method: clinical testing. Allele origin: germline.
Comment: The p.I556T variant (also known as c.1667T>C), located in coding exon 12 of the BMPR2 gene, results from a T to C substitution at nucleotide position 1667. The isoleucine at codon 556 is replaced by threonine, an amino acid with similar properties. This amino acid position is conserved. In addition, the in silico prediction for this alteration is inconclusive. Based on the available evidence, the clinical significance of this variant remains unclear.